The following is an entry in ClinVar:

NM_000548.5(TSC2):c.1909G>A (p.Val637Ile)

Gene: TSC2 (TSC complex subunit 2; plus strand). Cytogenetic location: 16p13.3.
Variant type: single nucleotide variant.
Coding change: c.1909G>A on transcript NM_000548.5 (MANE Select); coding-DNA position 1909, G replaced by A.
Protein change: p.Val637Ile; replaces valine 637 with isoleucine.
Molecular consequence: missense variant. On other transcripts: non-coding transcript variant (5).
Genome position (GRCh38, 1-based): chr16:2,071,579, G>A. VCF-style: chr16-2071579-G-A. GRCh37 (hg19) VCF-style: chr16-2121580-G-A.
Other names: c.1909G>A, p.Val637Ile (NM_001077183.3, NM_001114382.3, NM_001363528.2 and 6 more transcripts); c.1798G>A, p.Val600Ile (NM_001318827.2, NM_001406670.1, NM_001406678.1); c.1762G>A, p.Val588Ile (NM_001318829.2, NM_001406675.1, NM_001406676.1 and 1 more transcripts); c.1309G>A, p.Val437Ile (NM_001318831.2, NM_001406680.1, NM_001406682.1 and 6 more transcripts); c.1942G>A, p.Val648Ile (NM_001318832.2); c.1999G>A, p.Val667Ile (NM_001406667.1, NM_001406668.1); c.1897G>A, p.Val633Ile (NM_001406671.1, NM_001406673.1); c.1852G>A, p.Val618Ile (NM_001406677.1); and 3 more; short protein forms V483I, V600I, V618I, V648I, V437I, V633I, V637I, V667I.
Identifiers: ClinVar variation 2450003 (VCV002450003.4), dbSNP rs2088399918, ClinGen allele CA394273200.

ClinVar aggregate classification (germline): Uncertain significance. Review status: criteria provided, multiple submitters, no conflicts (2 of 4 stars). 3 submissions from 3 submitters: Uncertain significance (3). Last evaluated 2025-04-08.

Conditions:
Tuberous sclerosis 2 (TSC2). Identifiers: Orphanet 805, MedGen C1860707, MONDO:0013199, OMIM 613254.
Lymphangiomyomatosis (LAM). Also called: Lymphangioleiomyomatosis; Lymphangioleiomyomatosis, somatic. Identifiers: Orphanet 538, MedGen C0751674, MONDO:0011705, OMIM 606690.
Isolated focal cortical dysplasia type II (FCORD2). Also called: Focal cortical dysplasia type II; CORTICAL DYSPLASIA OF TAYLOR. Identifiers: Orphanet 268994, MedGen C1846385, MONDO:0011818, OMIM 607341, HP:0032051.
Hereditary cancer-predisposing syndrome. Also called: Hereditary neoplastic syndrome; Tumor predisposition; Neoplastic Syndromes, Hereditary; Hereditary Cancer Syndrome. Identifiers: Orphanet 140162, MedGen C0027672, MeSH D009386, MONDO:0015356.

Allele frequency attached by ClinVar (database versions not stated): TOPMed below 0.00001; gnomAD 0.00001.
gnomAD v4.1: 1 of 1,613,416 alleles (0.000062%); highest among the groups gnomAD compares: African/African-American, 0.0013%; no homozygotes.

Submissions (3):

Quest Diagnostics Nichols Institute San Juan Capistrano
Classification: Uncertain significance. Last evaluated: 2025-04-08. Review status: criteria provided, single submitter. Criteria: Quest Diagnostics criteria. Collection method: clinical testing. Allele origin: unknown.

Fulgent Genetics
Classification: Uncertain significance for Lymphangiomyomatosis; Isolated focal cortical dysplasia type II; Tuberous sclerosis 2. Last evaluated: 2024-03-06. Review status: criteria provided, single submitter. Criteria: ACMG Guidelines, 2015. Collection method: clinical testing. Allele origin: germline.

Ambry Genetics
Classification: Uncertain significance for Hereditary cancer-predisposing syndrome. Last evaluated: 2023-03-05. Review status: criteria provided, single submitter. Criteria: Ambry Variant Classification Scheme 2023. Collection method: clinical testing. Allele origin: germline.
Comment: The p.V637I variant (also known as c.1909G>A), located in coding exon 17 of the TSC2 gene, results from a G to A substitution at nucleotide position 1909. The valine at codon 637 is replaced by isoleucine, an amino acid with highly similar properties. This amino acid position is conserved. In addition, the in silico prediction for this alteration is inconclusive. Since supporting evidence is limited at this time, the clinical significance of this alteration remains unclear.